The following is an entry in ClinVar:

NM_014795.4(ZEB2):c.917-21T>C

Gene: ZEB2 (zinc finger E-box binding homeobox 2; minus strand). Cytogenetic location: 2q22.3.
Variant type: single nucleotide variant.
Coding change: c.917-21T>C on transcript NM_014795.4 (MANE Select); 21 bases into the intron before coding-DNA position 917, T replaced by C.
Molecular consequence: intron variant.
Genome position (GRCh38, 1-based): chr2:144,400,291, A>G on the plus strand (T>C on the coding strand, the complement: ZEB2 is on the minus strand). VCF-style: chr2-144400291-A-G. GRCh37 (hg19) VCF-style: chr2-145157858-A-G.
Other names: c.845-21T>C (NM_001171653.2).
Identifiers: ClinVar variation 160330 (VCV000160330.7), dbSNP rs35213774, ClinGen allele CA173955.

ClinVar aggregate classification (germline): Benign. Review status: criteria provided, multiple submitters, no conflicts (2 of 4 stars). 3 submissions from 3 submitters: Benign (2). 1 of the submissions does not count toward it. Last evaluated 2018-06-19.

Allele frequency attached by ClinVar (database versions not stated): 1000 Genomes Project 30x 0.09291; gnomAD 0.10275 and 0.10114; gnomAD exomes 0.11867; TOPMed 0.09425; 1000 Genomes Project 0.09605; ESP Exome Variant Server 0.09641; ExAC 0.13320.
gnomAD v4.1: 200,907 of 1,601,204 alleles (13%); highest among the groups gnomAD compares: South Asian, 15%; 13,584 homozygotes.

Submissions (3):

GeneDx
Classification: Benign. Last evaluated: 2018-06-19. Review status: criteria provided, single submitter. Criteria: GeneDx Variant Classification (06012015). Collection method: clinical testing. Allele origin: germline. Affected: yes.
Comment: This variant is considered likely benign or benign based on one or more of the following criteria: it is a conservative change, it occurs at a poorly conserved position in the protein, it is predicted to be benign by multiple in silico algorithms, and/or has population frequency not consistent with disease.

Breakthrough Genomics
Classification: Benign. Review status: criteria provided, single submitter. Criteria: ACMG Guidelines, 2015. Collection method: not provided. Allele origin: germline. Inheritance: Autosomal dominant inheritance. Affected: yes.

Genetic Services Laboratory, University of Chicago
Classification: Likely benign. Review status: no assertion criteria provided. Collection method: clinical testing. Allele origin: germline. Inheritance: Autosomal dominant inheritance. Not counted in ClinVar's aggregate classification.
Comment: Likely benign based on allele frequency in 1000 Genomes Project or ESP global frequency and its presence in a patient with a rare or unrelated disease phenotype. NOT Sanger confirmed